The following is an entry in ClinVar:

ClinVar aggregate classification (germline): Uncertain significance. Review status: criteria provided, multiple submitters, no conflicts (2 of 4 stars). 7 submissions from 7 submitters: Uncertain significance (6). 1 of the submissions does not count toward it. Last evaluated 2025-02-24.

Conditions:
Glycogen storage disease, type II (IOPD). Also called: Pompe Disease; GLYCOGENOSIS, GENERALIZED, CARDIAC FORM; GSD II; POMPE DISEASE, INFANTILE-ONSET; GLYCOGEN STORAGE DISEASE II, INFANTILE-ONSET; ACID ALPHA-GLUCOSIDASE DEFICIENCY, INFANTILE-ONSET. Identifiers: Orphanet 365, MedGen C0017921, MONDO:0009290, OMIM 232300.

Allele frequency attached by ClinVar (database versions not stated): ExAC 0.00001; gnomAD exomes 0.00001; TOPMed 0.00003.
gnomAD v4.1: 11 of 1,611,696 alleles (0.00068%); highest among the groups gnomAD compares: Non-Finnish European, 0.00076%; no homozygotes.

Submissions (7):

Revvity Omics, Revvity
Classification: Uncertain significance. Last evaluated: 2025-02-24. Review status: criteria provided, single submitter. Criteria: ACMG Guidelines, 2015. Collection method: clinical testing. Allele origin: germline.

GeneDx
Classification: Uncertain significance. Last evaluated: 2024-05-06. Review status: criteria provided, single submitter. Criteria: GeneDx Variant Classification Process June 2021. Collection method: clinical testing. Allele origin: germline. Affected: yes.
Comment: Not observed at significant frequency in large population cohorts (gnomAD); In silico analysis indicates that this missense variant does not alter protein structure/function; Has not been previously published as pathogenic or benign to our knowledge; This variant is associated with the following publications: (PMID: 22253258)

Labcorp Genetics (formerly Invitae), Labcorp
Classification: Uncertain significance for Glycogen storage disease, type II. Last evaluated: 2022-07-09. Review status: criteria provided, single submitter. Criteria: Invitae Variant Classification Sherloc (09022015). Collection method: clinical testing. Allele origin: germline.
Comment: This sequence change replaces histidine, which is basic and polar, with arginine, which is basic and polar, at codon 71 of the GAA protein (p.His71Arg). This variant is present in population databases (rs760205477, gnomAD 0.0009%). This variant has not been reported in the literature in individuals affected with GAA-related conditions. ClinVar contains an entry for this variant (Variation ID: 500671). Advanced modeling of protein sequence and biophysical properties (such as structural, functional, and spatial information, amino acid conservation, physicochemical variation, residue mobility, and thermodynamic stability) performed at Invitae indicates that this missense variant is not expected to disrupt GAA protein function. In summary, the available evidence is currently insufficient to determine the role of this variant in disease. Therefore, it has been classified as a Variant of Uncertain Significance.

Genome-Nilou Lab
Classification: Uncertain significance for Glycogen storage disease, type II. Last evaluated: 2021-09-05. Review status: criteria provided, single submitter. Criteria: ACMG Guidelines, 2015. Collection method: clinical testing. Allele origin: germline. Affected: no.

Mayo Clinic Laboratories, Mayo Clinic
Classification: Uncertain significance for Glycogen storage disease, type II. Last evaluated: 2017-05-26. Review status: criteria provided, single submitter. Criteria: ACMG Guidelines, 2015. Collection method: clinical testing. Allele origin: maternal.

Eurofins Ntd Llc (ga)
Classification: Uncertain significance. Last evaluated: 2017-02-28. Review status: criteria provided, single submitter. Criteria: EGL Classification Definitions 2015. Collection method: clinical testing. Allele origin: germline. Observed: 1 variant allele, 1 heterozygote.

Natera, Inc.
Classification: Uncertain significance for Glycogen storage disease type II. Last evaluated: 2020-09-16. Review status: no assertion criteria provided. Collection method: clinical testing. Allele origin: germline. Not counted in ClinVar's aggregate classification.

NM_000152.5(GAA):c.212A>G (p.His71Arg)

Gene: GAA (alpha glucosidase; plus strand). Cytogenetic location: 17q25.3.
Variant type: single nucleotide variant.
Coding change: c.212A>G on transcript NM_000152.5 (MANE Select); coding-DNA position 212, A replaced by G.
Protein change: p.His71Arg; replaces histidine 71 with arginine.
Molecular consequence: missense variant.
Genome position (GRCh38, 1-based): chr17:80,104,798, A>G. VCF-style: chr17-80104798-A-G. GRCh37 (hg19) VCF-style: chr17-78078597-A-G.
Other names: c.212A>G (LRG_673t1); c.212A>G, p.His71Arg (NM_001079803.3, NM_001079804.3); short protein forms H71R.
Identifiers: ClinVar variation 500671 (VCV000500671.17), dbSNP rs760205477, ClinGen allele CA8814809.